The following is an entry in ClinVar:

NM_006767.4(LZTR1):c.824_921dup (p.Pro308fs)

Gene: LZTR1 (leucine zipper like post translational regulator 1; plus strand). Cytogenetic location: 22q11.21.
Variant type: Duplication.
Coding change: c.824_921dup on transcript NM_006767.4 (MANE Select); coding-DNA positions 824 to 921, 98 bases duplicated.
Protein change: p.Pro308fs; shifts the reading frame from proline 308.
Molecular consequence: frameshift variant.
Genome position (GRCh38, 1-based): chr22:20,991,660-20,991,757, 98 bases duplicated. GRCh37 (hg19): chr22:21,345,949-21,346,046.
Other names: c.824_921dup98 (NM_006767.4); short protein forms P308fs.
Identifiers: ClinVar variation 917763 (VCV000917763.2), dbSNP rs1924610101, ClinGen allele CA1139666973.

ClinVar aggregate classification (germline): Pathogenic (1 of 4 stars; one submission).

Conditions:
Schwannomatosis (SWNTS1). Identifiers: Orphanet 93921, MedGen C1335929, MeSH C536641, MONDO:0008075.

Submission:

Women's Health and Genetics/Laboratory Corporation of America, LabCorp
Classification: Pathogenic for Schwannomatosis. Last evaluated: 2024-08-26. Review status: criteria provided, single submitter. Criteria: LabCorp Variant Classification Summary - May 2015. Collection method: clinical testing. Allele origin: germline.
Comment: Variant summary: LZTR1 c.824_921dup98 (p.Pro308GlyfsX76) results in a premature termination codon, predicted to cause a truncation of the encoded protein or absence of the protein due to nonsense mediated decay, which are commonly known mechanisms for disease. The variant was absent in 232510 control chromosomes. To our knowledge, no occurrence of c.824_921dup98 in individuals affected with LZTR1-related conditions and no experimental evidence demonstrating its impact on protein function have been reported. ClinVar contains an entry for this variant (Variation ID: 917763). Germline loss of function mutations in LZTR1 have been reported to predispose to an inherited disorder of multiple schwannomas (Piotrowski_2014) and recessive Noonan syndrome (Johnston_2018). Based on the evidence outlined above, the variant was classified as pathogenic for the risk of multiple schwannomas and recessive Noonan syndrome.